The following is an entry in ClinVar:

ClinVar aggregate classification (germline): Pathogenic. Review status: criteria provided, multiple submitters, no conflicts (2 of 4 stars). 4 submissions from 4 submitters: Pathogenic (4). Last evaluated 2024-02-14.

Conditions:
Mucopolysaccharidosis type 6 (MPS6). Also called: N-ACETYLGALACTOSAMINE-4-SULFATASE DEFICIENCY; MPS VI; MPS 6; Maroteaux Lamy syndrome; ARSB DEFICIENCY; ARYLSULFATASE B DEFICIENCY. Identifiers: Orphanet 583, MedGen C0026709, MONDO:0009661, OMIM 253200.

Submissions (4):

Baylor Genetics
Classification: Pathogenic for Mucopolysaccharidosis type 6. Last evaluated: 2024-02-14. Review status: criteria provided, single submitter. Criteria: ACMG Guidelines, 2015. Collection method: clinical testing. Allele origin: unknown.

Labcorp Genetics (formerly Invitae), Labcorp
Classification: Pathogenic for Mucopolysaccharidosis type 6. Last evaluated: 2023-07-13. Review status: criteria provided, single submitter. Criteria: Invitae Variant Classification Sherloc (09022015). Collection method: clinical testing. Allele origin: germline.
Comment: For these reasons, this variant has been classified as Pathogenic. Experimental studies have shown that this frameshift affects ARSB function (PMID: 8116615). Algorithms developed to predict the effect of variants on protein structure and function are not available or were not evaluated for this variant. This sequence change results in a frameshift in the ARSB gene (p.Thr526Metfs*48). While this is not anticipated to result in nonsense mediated decay, it is expected to disrupt the last 8 amino acid(s) of the ARSB protein and extend the protein by 39 additional amino acid residues. This variant is not present in population databases (gnomAD no frequency). This frameshift has been observed in individual(s) with mucopolysaccharidosis type VI (PMID: 8116615, 24677745). ClinVar contains an entry for this variant (Variation ID: 559724).

Institute of Medical Genetics and Applied Genomics, University Hospital Tübingen
Classification: Pathogenic. Last evaluated: 2020-10-23. Review status: criteria provided, single submitter. Criteria: ACMG Guidelines, 2015. Collection method: clinical testing. Allele origin: germline. Inheritance: Unknown mechanism. Affected: yes.

Laboratory of Diagnosis and Therapy of Lysosomal Disorders, University of Padova
Classification: Pathogenic for Mucopolysaccharidosis type 6. Last evaluated: 2018-01-01. Review status: criteria provided, single submitter. Criteria: ACMG Guidelines, 2015. Collection method: curation. Allele origin: germline. Affected: yes.
Comment: Frameshift variant (PVS1); In vitro functional studies supportive of a damaging effect on the gene product (low to no ARSB activity in homozygotes; PS3); Absent from GnomAD (PM2)

Literature cited by the submitters: PubMed 8116615 (cited by Labcorp Genetics (formerly Invitae), Labcorp and Laboratory of Diagnosis and Therapy of Lysosomal Disorders, University of Padova); PubMed 24677745 (cited by Labcorp Genetics (formerly Invitae), Labcorp and Laboratory of Diagnosis and Therapy of Lysosomal Disorders, University of Padova); PubMed 24243352 (cited by Laboratory of Diagnosis and Therapy of Lysosomal Disorders, University of Padova); PubMed 30118150 (cited by Laboratory of Diagnosis and Therapy of Lysosomal Disorders, University of Padova).

NM_000046.5(ARSB):c.1577del (p.Thr526fs)

Gene: ARSB (arylsulfatase B; minus strand). Cytogenetic location: 5q14.1.
Variant type: Deletion.
Coding change: c.1577del on transcript NM_000046.5 (MANE Select); coding-DNA position 1577, one base deleted (C; older notation c.1577delC).
Protein change: p.Thr526fs; shifts the reading frame from threonine 526.
Molecular consequence: frameshift variant.
Genome position (GRCh38, 1-based): chr5:78,780,422, G deleted on the plus strand (C on the coding strand, the reverse complement: ARSB is on the minus strand). VCF-style (leftmost placement, unchanged base first): chr5-78780421-AG-A. GRCh37 (hg19) VCF-style: chr5-78076244-AG-A.
Other names: short protein forms T526fs.
Identifiers: ClinVar variation 559724 (VCV000559724.12), dbSNP rs1554069660, ClinGen allele CA658822422.